The following is an entry in ClinVar:

ClinVar aggregate classification (germline): Uncertain significance. Review status: criteria provided, multiple submitters, no conflicts (2 of 4 stars). 2 submissions from 2 submitters: Uncertain significance (2). Last evaluated 2025-04-28.

Conditions:
Epileptic encephalopathy. Identifiers: MedGen C0543888, HP:0200134.

Allele frequency attached by ClinVar (database versions not stated): ExAC 0.00005; gnomAD 0.00011 and 0.00013; TOPMed 0.00013; ESP Exome Variant Server 0.00015.
gnomAD v4.1: 148 of 1,599,264 alleles (0.0093%); highest among the groups gnomAD compares: African/African-American, 0.016%; no homozygotes.

Submissions (2):

Labcorp Genetics (formerly Invitae), Labcorp
Classification: Uncertain significance for Epileptic encephalopathy. Last evaluated: 2025-04-28. Review status: criteria provided, single submitter. Criteria: Invitae Variant Classification Sherloc (09022015). Collection method: clinical testing. Allele origin: germline.
Comment: This sequence change replaces arginine, which is basic and polar, with histidine, which is basic and polar, at codon 490 of the FASN protein (p.Arg490His). This variant is present in population databases (rs368171697, gnomAD 0.01%). This variant has not been reported in the literature in individuals affected with FASN-related conditions. ClinVar contains an entry for this variant (Variation ID: 1501226). An algorithm developed to predict the effect of missense changes on protein structure and function (PolyPhen-2) suggests that this variant is likely to be tolerated. In summary, the available evidence is currently insufficient to determine the role of this variant in disease. Therefore, it has been classified as a Variant of Uncertain Significance.

Ambry Genetics
Classification: Uncertain significance. Last evaluated: 2024-09-11. Review status: criteria provided, single submitter. Criteria: Ambry Variant Classification Scheme 2023. Collection method: clinical testing. Allele origin: germline.

NM_004104.5(FASN):c.1469G>A (p.Arg490His)

Gene: FASN (fatty acid synthase; minus strand). Cytogenetic location: 17q25.3.
Variant type: single nucleotide variant.
Coding change: c.1469G>A on transcript NM_004104.5 (MANE Select); coding-DNA position 1469, G replaced by A.
Protein change: p.Arg490His; replaces arginine 490 with histidine.
Molecular consequence: missense variant.
Genome position (GRCh38, 1-based): chr17:82,091,245, C>T on the plus strand (G>A on the coding strand, the complement: FASN is on the minus strand). VCF-style: chr17-82091245-C-T. GRCh37 (hg19) VCF-style: chr17-80049121-C-T.
Other names: c.1469G>A (NM_004104.4); short protein forms R490H.
Identifiers: ClinVar variation 1501226 (VCV001501226.8), dbSNP rs368171697, ClinGen allele CA8853158.
Genomic context (GRCh38, chr17:82,091,245, plus strand): 5'-GGGAAGGGACCACCTTGGGGGCAGAGTGTGGGCTCACCAGAGCAGATGAACCAGAGCGGG[C>T]GCTCGCCAGCGGGCACCTGCTGCACCTCTGGGCCACCGCGCTCACCACCCAGCACAGCGT-3'
Protein context (NP_004095.4, residues 480-500): PEVQQVPAGE[Arg490His]PLWFICSGMG